The following is an entry in ClinVar:

ClinVar aggregate classification (germline): Likely benign. Review status: criteria provided, multiple submitters, no conflicts (2 of 4 stars). 4 submissions from 4 submitters: Likely benign (3). 1 of the submissions does not count toward it. Last evaluated 2025-06-23.

Conditions:
BSND-related disorder. Also called: BSND-related condition.
Bartter syndrome. Identifiers: Orphanet 112, MedGen C0004775, MONDO:0015231.

Allele frequency attached by ClinVar (database versions not stated): TOPMed 0.00005; gnomAD exomes 0.00006; ExAC 0.00007; ESP Exome Variant Server 0.00008; gnomAD 0.00009; 1000 Genomes Project 30x 0.00016; 1000 Genomes Project 0.00020.
gnomAD v4.1: 103 of 1,614,224 alleles (0.0064%); highest among the groups gnomAD compares: African/African-American, 0.0093%; no homozygotes.

Submissions (4):

PreventionGenetics, part of Exact Sciences
Classification: Likely benign for BSND-related condition. Last evaluated: 2025-06-23. Review status: criteria provided, single submitter. Criteria: ACMG Guidelines, 2015. Collection method: clinical testing. Allele origin: germline.
Comment: This variant is classified as likely benign based on ACMG/AMP sequence variant interpretation guidelines (Richards et al. 2015 PMID: 25741868, with internal and published modifications).

Labcorp Genetics (formerly Invitae), Labcorp
Classification: Likely benign. Last evaluated: 2025-05-03. Review status: criteria provided, single submitter. Criteria: Invitae Variant Classification Sherloc (09022015). Collection method: clinical testing. Allele origin: germline.

Blueprint Genetics
Classification: Likely benign. Last evaluated: 2024-07-16. Review status: criteria provided, single submitter. Criteria: ACMG Guidelines, 2015. Collection method: clinical testing. Allele origin: germline.

Natera, Inc.
Classification: Uncertain significance for Bartter syndrome. Last evaluated: 2020-01-24. Review status: no assertion criteria provided. Collection method: clinical testing. Allele origin: germline. Not counted in ClinVar's aggregate classification.

NM_057176.3(BSND):c.843G>A (p.Ser281=)

Gene: BSND (barttin CLCNK type accessory subunit beta; plus strand). Cytogenetic location: 1p32.3.
Variant type: single nucleotide variant.
Coding change: c.843G>A on transcript NM_057176.3 (MANE Select); coding-DNA position 843, G replaced by A.
Protein change: p.Ser281=; no amino-acid change (serine 281 retained).
Molecular consequence: synonymous variant.
Genome position (GRCh38, 1-based): chr1:55,008,508, G>A. VCF-style: chr1-55008508-G-A. GRCh37 (hg19) VCF-style: chr1-55474181-G-A.
Identifiers: ClinVar variation 750466 (VCV000750466.14), dbSNP rs373929319, ClinGen allele CA871432.